The following is an entry in ClinVar:

ClinVar aggregate classification (germline): Likely benign. Review status: criteria provided, multiple submitters, no conflicts (2 of 4 stars). 4 submissions from 4 submitters: Likely benign (3). 1 of the submissions does not count toward it. Last evaluated 2024-08-14.

Conditions:
Cardiomyopathy (CMYO). Also called: Cardiomyopathies. Identifiers: Orphanet 167848, MedGen C0878544, MONDO:0004994, HP:0001638. Inheritance: Various modes of inheritance.
Hypertrophic cardiomyopathy 10. Also called: MYL2-Related Familial Hypertrophic Cardiomyopathy; CARDIOMYOPATHY, HYPERTROPHIC, MID-LEFT VENTRICULAR CHAMBER TYPE, 2. Identifiers: MedGen C1834460, MONDO:0012112, OMIM 608758.
Hypertrophic cardiomyopathy. Also called: HYPERTROPHIC MYOCARDIOPATHY. Identifiers: Orphanet 217569, MedGen C0007194, MeSH D002312, MONDO:0005045, HP:0001639.

gnomAD v4.1: 2 of 1,614,048 alleles (0.00012%); highest among the groups gnomAD compares: African/African-American, 0.0013%; no homozygotes.

Submissions (4):

Labcorp Genetics (formerly Invitae), Labcorp
Classification: Likely benign for Hypertrophic cardiomyopathy 10. Last evaluated: 2024-08-14. Review status: criteria provided, single submitter. Criteria: Invitae Variant Classification Sherloc (09022015). Collection method: clinical testing. Allele origin: germline.

All of Us Research Program, National Institutes of Health
Classification: Likely benign for Hypertrophic cardiomyopathy. Last evaluated: 2023-09-17. Review status: criteria provided, single submitter. Criteria: ACMG Guidelines, 2015. Collection method: clinical testing. Allele origin: germline. Inheritance: Autosomal dominant inheritance. Observed: 1 variant allele, 1 heterozygote.
Comment: This study involves interpretation of variants in research participants for the purpose of population health screening. Participant phenotype was not available at the time of variant classification. Additional details can be found in publication PMID: 35346344, PMCID: PMC8962531

Color Diagnostics, LLC DBA Color Health
Classification: Likely benign for Cardiomyopathy. Last evaluated: 2019-09-09. Review status: criteria provided, single submitter. Criteria: ACMG Guidelines, 2015. Collection method: clinical testing. Allele origin: germline.

Leiden Muscular Dystrophy (MYL2)
No classification provided. Review status: no classification provided. Collection method: not provided. Allele origin: germline. Not counted in ClinVar's aggregate classification.

NM_000432.4(MYL2):c.135C>T (p.Asp45=)

Gene: MYL2 (myosin light chain 2; minus strand). Cytogenetic location: 12q24.11.
Variant type: single nucleotide variant.
Coding change: c.135C>T on transcript NM_000432.4 (MANE Select); coding-DNA position 135, C replaced by T.
Protein change: p.Asp45=; no amino-acid change (aspartic acid 45 retained).
Molecular consequence: synonymous variant.
Genome position (GRCh38, 1-based): chr12:110,915,749, G>A on the plus strand (C>T on the coding strand, the complement: MYL2 is on the minus strand). VCF-style: chr12-110915749-G-A. GRCh37 (hg19) VCF-style: chr12-111353553-G-A.
Identifiers: ClinVar variation 132983 (VCV000132983.7), dbSNP rs199474807, ClinGen allele CA009866.